The following is an entry in ClinVar:

NM_053025.4(MYLK):c.664G>T (p.Gly222Ter)

Gene: MYLK (myosin light chain kinase; minus strand). Cytogenetic location: 3q21.1.
Variant type: single nucleotide variant.
Coding change: c.664G>T on transcript NM_053025.4 (MANE Select); coding-DNA position 664, G replaced by T.
Protein change: p.Gly222Ter; replaces glycine 222 with a stop codon.
Molecular consequence: nonsense.
Genome position (GRCh38, 1-based): chr3:123,737,468, C>A on the plus strand (G>T on the coding strand, the complement: MYLK is on the minus strand). VCF-style: chr3-123737468-C-A. GRCh37 (hg19) VCF-style: chr3-123456315-C-A.
Other names: c.136G>T, p.Gly46Ter (NM_001321309.2); c.664G>T, p.Gly222Ter (NM_053026.4, NM_053027.4, NM_053028.4); short protein forms G46*, G222*.
Identifiers: ClinVar variation 4779383 (VCV004779383.1).

ClinVar aggregate classification (germline): Uncertain significance (1 of 4 stars; one submission).

Conditions:
Aortic aneurysm, familial thoracic 7 (AAT7). Also called: AORTIC DISSECTION, FAMILIAL, WITH OR WITHOUT AORTIC ANEURYSM. Identifiers: MedGen C3151077, MONDO:0013418, OMIM 613780.

Submission:

Labcorp Genetics (formerly Invitae), Labcorp
Classification: Uncertain significance for Aortic aneurysm, familial thoracic 7. Last evaluated: 2025-12-09. Review status: criteria provided, single submitter. Criteria: Invitae Variant Classification Sherloc (09022015). Collection method: clinical testing. Allele origin: germline.
Comment: This sequence change creates a premature translational stop signal (p.Gly222*) in the MYLK gene. This variant occurs in the long isoform of MYLK (PMID: 21055718). The current clinical and genetic evidence is not sufficient to establish whether loss-of-function variants in the long isoform of MYLK cause disease. This variant is not present in population databases (gnomAD no frequency). This variant has not been reported in the literature in individuals affected with MYLK-related conditions. Algorithms developed to predict the effect of sequence changes on RNA splicing suggest that this variant may disrupt the consensus splice site. In summary, the available evidence is currently insufficient to determine the role of this variant in disease. Therefore, it has been classified as a Variant of Uncertain Significance.

Literature cited by the submitters: PubMed 21055718.